The following is an entry in ClinVar:

ClinVar aggregate classification (germline): Uncertain significance. Review status: criteria provided, multiple submitters, no conflicts (2 of 4 stars). 2 submissions from 2 submitters: Uncertain significance (2). Last evaluated 2025-02-15.

Conditions:
Inborn genetic diseases. Identifiers: MedGen C0950123, MeSH D030342.

gnomAD v4.1: 1 of 1,613,994 alleles (0.000062%); no homozygotes.

Submissions (2):

Ambry Genetics
Classification: Uncertain significance for Inborn genetic diseases. Last evaluated: 2025-02-15. Review status: criteria provided, single submitter. Criteria: Ambry Variant Classification Scheme 2023. Collection method: clinical testing. Allele origin: germline.
Comment: The p.G1306V variant (also known as c.3917G>T), located in coding exon 13 of the ASXL1 gene, results from a G to T substitution at nucleotide position 3917. The glycine at codon 1306 is replaced by valine, an amino acid with dissimilar properties. This amino acid position is conserved. In addition, this alteration is predicted to be tolerated by in silico analysis. Based on the available evidence, the clinical significance of this variant remains unclear.

Labcorp Genetics (formerly Invitae), Labcorp
Classification: Uncertain significance. Last evaluated: 2024-05-02. Review status: criteria provided, single submitter. Criteria: Invitae Variant Classification Sherloc (09022015). Collection method: clinical testing. Allele origin: germline.
Comment: This sequence change replaces glycine, which is neutral and non-polar, with valine, which is neutral and non-polar, at codon 1306 of the ASXL1 protein (p.Gly1306Val). This variant is not present in population databases (gnomAD no frequency). This variant has not been reported in the literature in individuals affected with ASXL1-related conditions. An algorithm developed to predict the effect of missense changes on protein structure and function (PolyPhen-2) suggests that this variant is likely to be disruptive. In summary, the available evidence is currently insufficient to determine the role of this variant in disease. Therefore, it has been classified as a Variant of Uncertain Significance.

NM_015338.6(ASXL1):c.3917G>T (p.Gly1306Val)

Gene: ASXL1 (ASXL transcriptional regulator 1; plus strand). Cytogenetic location: 20q11.21.
Variant type: single nucleotide variant.
Coding change: c.3917G>T on transcript NM_015338.6 (MANE Select); coding-DNA position 3917, G replaced by T.
Protein change: p.Gly1306Val; replaces glycine 1306 with valine.
Molecular consequence: missense variant.
Genome position (GRCh38, 1-based): chr20:32,436,629, G>T. VCF-style: chr20-32436629-G-T. GRCh37 (hg19) VCF-style: chr20-31024432-G-T.
Other names: c.3734G>T, p.Gly1245Val (NM_001363734.1); short protein forms G1306V, G1245V.
Identifiers: ClinVar variation 3697252 (VCV003697252.3).